The following is an entry in ClinVar:

ClinVar aggregate classification (germline): Uncertain significance. Review status: criteria provided, multiple submitters, no conflicts (2 of 4 stars). 5 submissions from 5 submitters: Uncertain significance (5). Last evaluated 2025-04-09.

Conditions:
Hereditary cancer-predisposing syndrome. Also called: Tumor predisposition; Hereditary Cancer Syndrome; Hereditary neoplastic syndrome; Neoplastic Syndromes, Hereditary. Identifiers: Orphanet 140162, MedGen C0027672, MeSH D009386, MONDO:0015356.
Familial cancer of breast. Also called: BREAST CANCER, FAMILIAL; hereditary breast carcinoma; Hereditary breast cancer. Identifiers: Orphanet 227535, MedGen C0346153, MONDO:0016419, OMIM 114480. Disease mechanism: loss of function.
Ataxia-telangiectasia syndrome (AT). Also called: LOUIS-BAR SYNDROME; Cerebello-oculocutaneous telangiectasia; Immunodeficiency with ataxia telangiectasia; ATAXIA-TELANGIECTASIA, COMPLEMENTATION GROUP A; ATAXIA-TELANGIECTASIA, FRESNO VARIANT; Ataxia-telangiectasia. Identifiers: Orphanet 100, MedGen C0004135, MONDO:0008840, OMIM 208900.

Allele frequency attached by ClinVar (database versions not stated): gnomAD exomes below 0.00001; ExAC 0.00001; gnomAD 0.00001; TOPMed 0.00001; ESP Exome Variant Server 0.00008.
gnomAD v4.1: 2 of 1,614,010 alleles (0.00012%); highest among the groups gnomAD compares: African/African-American, 0.0013%; no homozygotes.

Submissions (5):

Labcorp Genetics (formerly Invitae), Labcorp
Classification: Uncertain significance for Ataxia-telangiectasia syndrome. Last evaluated: 2025-04-09. Review status: criteria provided, single submitter. Criteria: Invitae Variant Classification Sherloc (09022015). Collection method: clinical testing. Allele origin: germline.
Comment: This sequence change replaces threonine, which is neutral and polar, with arginine, which is basic and polar, at codon 1854 of the ATM protein (p.Thr1854Arg). This variant is not present in population databases (gnomAD no frequency). This variant has not been reported in the literature in individuals affected with ATM-related conditions. ClinVar contains an entry for this variant (Variation ID: 181967). Invitae Evidence Modeling of protein sequence and biophysical properties (such as structural, functional, and spatial information, amino acid conservation, physicochemical variation, residue mobility, and thermodynamic stability) indicates that this missense variant is not expected to disrupt ATM protein function with a negative predictive value of 95%. In summary, the available evidence is currently insufficient to determine the role of this variant in disease. Therefore, it has been classified as a Variant of Uncertain Significance.

Ambry Genetics
Classification: Uncertain significance for Hereditary cancer-predisposing syndrome. Last evaluated: 2025-01-19. Review status: criteria provided, single submitter. Criteria: Ambry Variant Classification Scheme 2023. Collection method: clinical testing. Allele origin: germline.
Comment: The p.T1854R variant (also known as c.5561C>G), located in coding exon 36 of the ATM gene, results from a C to G substitution at nucleotide position 5561. The threonine at codon 1854 is replaced by arginine, an amino acid with similar properties. This amino acid position is not well conserved in available vertebrate species. In addition, this alteration is predicted to be tolerated by in silico analysis. Based on the available evidence, the clinical significance of this variant remains unclear.

Baylor Genetics
Classification: Uncertain significance for Familial cancer of breast. Last evaluated: 2023-05-24. Review status: criteria provided, single submitter. Criteria: ACMG Guidelines, 2015. Collection method: clinical testing. Allele origin: unknown.

Color Diagnostics, LLC DBA Color Health
Classification: Uncertain significance for Hereditary cancer-predisposing syndrome. Last evaluated: 2020-01-15. Review status: criteria provided, single submitter. Criteria: ACMG Guidelines, 2015. Collection method: clinical testing. Allele origin: germline.
Comment: This missense variant replaces threonine with arginine at codon 1854 of the ATM protein. Computational prediction tool suggests that this variant may not impact protein structure and function (internally defined REVEL score threshold ≤0.5, PMID: 27666373). Splice site prediction tools suggest that this variant may not impact RNA splicing. To our knowledge, functional studies have not been performed for this variant. This variant has not been reported in individuals affected with hereditary cancer in the literature. This variant has been identified in 1/251002 chromosomes in the general population by the Genome Aggregation Database (gnomAD). The available evidence is insufficient to determine the role of this variant in disease conclusively. Therefore, this variant is classified as a Variant of Uncertain Significance.

GeneDx
Classification: Uncertain significance. Last evaluated: 2014-07-01. Review status: criteria provided, single submitter. Criteria: GeneDx Variant Classification (06012015). Collection method: clinical testing. Allele origin: germline. Affected: yes.
Comment: This variant is denoted ATM c.5561C>G at the cDNA level, p.Thr1854Arg (T1854R) at the protein level, and results in the change of a Threonine to an Arginine (ACA>AGA). This variant has not, to our knowledge, been published in the literature as pathogenic or benign. ATM Thr1854Arg was not observed at a significant allele frequency in the NHLBI Exome Sequencing Project. Since Threonine and Arginine differ in some properties, this is considered a semi-conservative amino acid substitution. ATM Thr1854Arg occurs at a position that is conserved across mammals and is not located in a known functional domain (Stracker 2013). In silico analyses predict that this variant is unlikely to alter protein structure or function. Based on currently available information, it is unclear whether ATM Thr1854Arg is pathogenic or benign. We consider it to be a variant of uncertain significance.

NM_000051.4(ATM):c.5561C>G (p.Thr1854Arg)

Gene: ATM (ATM serine/threonine kinase; plus strand). Cytogenetic location: 11q22.3.
Variant type: single nucleotide variant.
Coding change: c.5561C>G on transcript NM_000051.4 (MANE Select); coding-DNA position 5561, C replaced by G.
Protein change: p.Thr1854Arg; replaces threonine 1854 with arginine.
Molecular consequence: missense variant.
Genome position (GRCh38, 1-based): chr11:108,304,739, C>G. VCF-style: chr11-108304739-C-G. GRCh37 (hg19) VCF-style: chr11-108175466-C-G.
Other names: p.T1854R:ACA>AGA; c.5561C>G, p.Thr1854Arg (NM_001351834.2); short protein forms T1854R.
Identifiers: ClinVar variation 181967 (VCV000181967.20), dbSNP rs138710254, ClinGen allele CA298275.